The following is an entry in ClinVar:

NM_000218.3(KCNQ1):c.477+1G>A

Gene: KCNQ1 (potassium voltage-gated channel subfamily Q member 1; plus strand). Cytogenetic location: 11p15.5.
Variant type: single nucleotide variant.
Coding change: c.477+1G>A on transcript NM_000218.3 (MANE Select); the canonical splice donor site of the intron after coding-DNA position 477, G replaced by A.
Molecular consequence: splice donor variant.
Genome position (GRCh38, 1-based): chr11:2,528,019, G>A. VCF-style: chr11-2528019-G-A. GRCh37 (hg19) VCF-style: chr11-2549249-G-A.
Other names: c.207+1G>A (NM_001406837.1); c.477+1G>A (NM_001406836.1, NM_001406838.1); c.96+1G>A (NM_181798.2).
Identifiers: ClinVar variation 200874 (VCV000200874.75), dbSNP rs762814879, ClinGen allele CA007168.

ClinVar aggregate classification (germline): Likely pathogenic. Review status: reviewed by expert panel (3 of 4 stars). 15 submissions from 15 submitters: Likely pathogenic (1). 14 of the submissions do not count toward it. Last evaluated 2025-07-01.

Conditions:
Cardiac arrhythmia. Also called: Arrhythmia; Cardiac rhythm disease. Identifiers: MedGen C0003811, MONDO:0007263, HP:0011675.
Familial long QT syndrome (RWS). Also called: VENTRICULAR FIBRILLATION WITH PROLONGED QT INTERVAL; Romano-Ward syndrome; Congenital long QT syndrome. Identifiers: Orphanet 768, MedGen C1141890, MONDO:0019171.
Long QT syndrome (LQTS). Identifiers: MedGen C0023976, MeSH D008133, MONDO:0002442. Disease mechanism: loss of function. Inheritance: Various modes of inheritance.
Long QT syndrome 1 (LQT1). Identifiers: Orphanet 101016, Orphanet 768, MedGen C4551647, MONDO:0100316, OMIM 192500, MONDO:0008646.
KCNQ1-related disorder. Also called: KCNQ1-related condition; KCNQ1-related disorders. Identifiers: MedGen CN239322.
Cardiovascular phenotype. Identifiers: MedGen CN230736.

Allele frequency attached by ClinVar (database versions not stated): TOPMed below 0.00001; gnomAD 0.00001; gnomAD exomes 0.00001; ExAC 0.00002.
gnomAD v4.1: 17 of 1,610,662 alleles (0.0011%); highest among the groups gnomAD compares: Non-Finnish European, 0.0014%; no homozygotes.

Submissions 1 to 10 of 15:

ClinGen Potassium Channel Arrhythmia Variant Curation Expert Panel, ClinGen
Classification: Likely pathogenic for Long QT syndrome 1. Last evaluated: 2025-07-01. Review status: reviewed by expert panel. Criteria: ClinGen KChannel ACMG Specifications KCNQ1 V1.0.0 2. Collection method: curation. Allele origin: germline. Inheritance: Autosomal dominant inheritance.
Comment: NM_000218.3(KCNQ1):c.477+1G>A is a splicing variant predicted to cause out-of-frame skipping of exon 2, leading to nonsense mediated decay in a gene in which loss-of-function is an established disease mechanism (PVS1). This variant has been reported in at least one affected proband exhibiting QTc prolongation above 480 milliseconds, congenital deafness and a swimming-associated event, which together are highly specific for long QT syndrome 1 (PP4; PMID:16987820). This variant has been reported in homozygosity in one proband with Jervell and Lange-Nielsen syndrome that was reported to have both a long QT interval and congenital deafness (PMID: 16987820), however PM3_Supporting is not met since this code requires the variant to be sufficiently rare (meeting PM2_Supporting). This variant has been shown to disrupt KCNQ1 function in two required experimental assays, including RNA Metabolism and automated patch clamp (PMID: 16987820), however, PS3_Supporting is not met since the variant has already met PVS1. In summary, this variant has been classified as likely pathogenic for long QT syndrome 1 according to the ACMG/AMP criteria applied, as specified by the ClinGen Potassium Channel Arrhythmia Variant Curation Expert Panel: PVS1 and PP4. (VCEP specifications version 1.0.0; date of approval 03/04/2025).

CeGaT Center for Human Genetics Tuebingen
Classification: Pathogenic. Last evaluated: 2026-09-01. Review status: criteria provided, single submitter. Criteria: CeGaT Center For Human Genetics Tuebingen Variant Classification Criteria Version 2. Collection method: clinical testing. Allele origin: germline. Affected: yes. Observed: 7 variant alleles. Not counted in ClinVar's aggregate classification.
Comment: KCNQ1: PVS1, PM2, PS4:Supporting

Labcorp Genetics (formerly Invitae), Labcorp
Classification: Pathogenic for Long QT syndrome. Last evaluated: 2025-12-09. Review status: criteria provided, single submitter. Criteria: Invitae Variant Classification Sherloc (09022015). Collection method: clinical testing. Allele origin: germline. Not counted in ClinVar's aggregate classification.
Comment: This sequence change affects a donor splice site in intron 2 of the KCNQ1 gene. RNA analysis indicates that disruption of this splice site induces altered splicing and may result in an absent or altered protein product. This variant is present in population databases (rs762814879, gnomAD 0.002%). Disruption of this splice site has been observed in individual(s) with Jervell and Lange-Nielsen syndrome (PMID: 16987820, 19716085, 22629021, 24552659). In at least one individual the data is consistent with being in trans (on the opposite chromosome) from a pathogenic variant. ClinVar contains an entry for this variant (Variation ID: 200874). Studies have shown that disruption of this splice site results in skipping of exon 1, and produces a non-functional protein and/or introduces a premature termination codon (PMID: 16987820). For these reasons, this variant has been classified as Pathogenic.

Variantyx, Inc.
Classification: Pathogenic for Long QT syndrome 1. Last evaluated: 2025-04-15. Review status: criteria provided, single submitter. Criteria: Variantyx Assertion Criteria 2022. Collection method: clinical testing. Allele origin: germline. Inheritance: Autosomal dominant inheritance. Affected: yes. Not counted in ClinVar's aggregate classification.
Comment: This is a canonical splicing variant in the KCNQ1 gene (OMIM: 607542). Pathogenic variants in this gene have been associated with autosomal dominant long QT syndrome 1. This splicing variant is expected to result in loss of function, which is a known disease mechanism for KCNQ1 in this disorder (PMID: 9323054, 19862833) (PVS1). This variant has been reported in at least 3 unrelated affected individual(s) (PMID: 19716085, 34860437) (PS4_Moderate). This variant has a 0.0014% maximum allele frequency in non-founder control populations (PM2). Based on the current evidence, this variant is classified as pathogenic for autosomal dominant long QT syndrome 1.Reduced penetrance and variable expressivity have been observed in this disorder (PMID: 10482963, 11530100, 24552659).

Institute of Human Genetics, University of Leipzig Medical Center
Classification: Pathogenic for Long QT syndrome 1. Last evaluated: 2025-03-26. Review status: criteria provided, single submitter. Criteria: ACMG Guidelines, 2015. Collection method: clinical testing. Allele origin: unknown. Inheritance: Autosomal dominant inheritance. Affected: yes. Not counted in ClinVar's aggregate classification.
Comment: Criteria applied: PVS1,PS3_MOD,PS4_SUP

Laboratory of Genetics, Children's Clinical University Hospital Latvia
Classification: Pathogenic. Last evaluated: 2025-02-16. Review status: criteria provided, single submitter. Criteria: ACMG Guidelines, 2015. Collection method: clinical testing. Allele origin: germline. Affected: yes. Not counted in ClinVar's aggregate classification.

Blueprint Genetics
Classification: Pathogenic for KCNQ1-related disorders. Last evaluated: 2024-09-03. Review status: criteria provided, single submitter. Criteria: ACMG Guidelines, 2015. Collection method: clinical testing. Allele origin: germline. Affected: yes. Observed: 5 variant alleles. Not counted in ClinVar's aggregate classification.

All of Us Research Program, National Institutes of Health
Classification: Pathogenic for Long QT syndrome. Last evaluated: 2024-03-24. Review status: criteria provided, single submitter. Criteria: ACMG Guidelines, 2015. Collection method: clinical testing. Allele origin: germline. Inheritance: Autosomal dominant inheritance. Observed: 3 variant alleles, 3 heterozygotes. Not counted in ClinVar's aggregate classification.
Comment: This variant causes a G>A nucleotide substitution at the canonical +1 position of intron 2 of the KCNQ1 gene. Functional RNA studies have shown that this variant causes out-of-frame skipping of exon 2, resulting in a premature truncation (PMID: 16987820). This variant has been reported in multiple individuals affected with long QT syndrome (Polyak et al., 2016; Marschall et al., 2019) and in one individual referred for long QT syndrome genetic test (PMID: 19716085). This variant has also been reported in at least four individuals affected with Jervell and Lange-Nielsen syndrome, either in homozygous (PMID: 16987820) or compound heterozygous state (PMID: 22539601, 24552659, 29037160). A few heterozygous family members of these probands have been reported to be asymptomatic for cardiac phenotype (PMID: 16987820, 29037160). This variant has been identified in 2/251080 chromosomes in the general population by the Genome Aggregation Database (gnomAD). Loss of KCNQ1 function is a known mechanism of disease. Based on the available evidence, this variant is classified as Pathogenic.

This study involves interpretation of variants in research participants for the purpose of population health screening. Participant phenotype was not available at the time of variant classification. Additional details can be found in publication PMID: 35346344, PMCID: PMC8962531

Dept of Medical Biology, Uskudar University
Classification: Pathogenic for Long QT syndrome. Last evaluated: 2024-01-08. Review status: criteria provided, single submitter. Criteria: Dept of Medical Biology Variant Classification. Collection method: research. Allele origin: paternal. Affected: yes. Observed: 1 variant allele. Not counted in ClinVar's aggregate classification.
Comment: Criteria: PVS1_Strong, PS3_Moderate, PM2, PP1

Clinical Genetics Laboratory, Skane University Hospital Lund
Classification: Pathogenic. Last evaluated: 2023-11-08. Review status: criteria provided, single submitter. Criteria: ACMG Guidelines, 2015. Collection method: clinical testing. Allele origin: germline. Affected: yes. Not counted in ClinVar's aggregate classification.